The following is an entry in ClinVar:

ClinVar aggregate classification (germline): Conflicting classifications of pathogenicity. Review status: criteria provided, conflicting classifications (1 of 4 stars). 5 submissions from 5 submitters: Pathogenic (2); Likely pathogenic (1); Uncertain significance (1). 1 of the submissions does not count toward it. Last evaluated 2026-06-03.

Conditions:
MLH3-related disorder. Also called: MLH3-related condition.
Colorectal cancer, hereditary nonpolyposis, type 7. Identifiers: Orphanet 144, MedGen C1858380, MONDO:0013725, OMIM 614385.

Submissions (5):

Ambry Genetics
Classification: Pathogenic. Last evaluated: 2026-06-03. Review status: criteria provided, single submitter. Criteria: Ambry Variant Classification Scheme 2023. Collection method: clinical testing. Allele origin: germline.
Comment: The c.3154delC pathogenic mutation, located in coding exon 1 of the MLH3 gene, results from a deletion of one nucleotide at nucleotide position 3154, causing a translational frameshift with a predicted alternate stop codon (p.L1052Wfs*10). This alteration is expected to result in loss of function by premature protein truncation or nonsense-mediated mRNA decay. As such, this alteration is interpreted as a disease-causing mutation.

Myriad Genetics, Inc.
Classification: Pathogenic for Colorectal cancer, hereditary nonpolyposis, type 7. Last evaluated: 2025-12-26. Review status: criteria provided, single submitter. Criteria: Myriad Autosomal Dominant, Autosomal Recessive and X-Linked Classification Criteria (2023). Collection method: clinical testing. Allele origin: unknown.
Comment: This variant is considered pathogenic. This variant creates a frameshift predicted to result in premature protein truncation.

Labcorp Genetics (formerly Invitae), Labcorp
Classification: Uncertain significance for Colorectal cancer, hereditary nonpolyposis, type 7. Last evaluated: 2025-07-17. Review status: criteria provided, single submitter. Criteria: Invitae Variant Classification Sherloc (09022015). Collection method: clinical testing. Allele origin: germline.
Comment: This sequence change creates a premature translational stop signal (p.Leu1052Trpfs*10) in the MLH3 gene. It is expected to result in an absent or disrupted protein product. However, the current clinical and genetic evidence is not sufficient to establish whether loss-of-function variants in MLH3 cause disease. This variant is present in population databases (rs745657036, gnomAD 0.007%). This variant has not been reported in the literature in individuals affected with MLH3-related conditions. ClinVar contains an entry for this variant (Variation ID: 492695). In summary, the available evidence is currently insufficient to determine the role of this variant in disease. Therefore, it has been classified as a Variant of Uncertain Significance.

Blueprint Genetics
Classification: Likely pathogenic for MLH3-related disorders. Last evaluated: 2024-06-05. Review status: criteria provided, single submitter. Criteria: ACMG Guidelines, 2015. Collection method: clinical testing. Allele origin: germline. Affected: yes. Observed: 2 variant alleles.

Mayo Clinic Laboratories, Mayo Clinic
Classification: Likely pathogenic. Review status: no assertion criteria provided. Collection method: clinical testing. Allele origin: unknown. Not counted in ClinVar's aggregate classification.

NM_001040108.2(MLH3):c.3154del (p.Leu1052fs)

Gene: MLH3 (mutL homolog 3; minus strand). Cytogenetic location: 14q24.3.
Variant type: Deletion.
Coding change: c.3154del on transcript NM_001040108.2 (MANE Select); coding-DNA position 3154, one base deleted (C; older notation c.3154delC).
Protein change: p.Leu1052fs; shifts the reading frame from leucine 1052.
Molecular consequence: frameshift variant.
Genome position (GRCh38, 1-based): chr14:75,046,502, G deleted on the plus strand (C on the coding strand, the reverse complement: MLH3 is on the minus strand); the first of 3 consecutive G bases (chr14:75,046,502-75,046,504); deleting any one gives the same sequence. VCF-style (leftmost placement, unchanged base first): chr14-75046501-AG-A. GRCh37 (hg19) VCF-style: chr14-75513204-AG-A.
Other names: c.3154del, p.Leu1052fs (NM_014381.3); c.3154delC (NM_001040108.1); short protein forms L1052fs.
Identifiers: ClinVar variation 492695 (VCV000492695.18), dbSNP rs745657036, ClinGen allele CA7275581.
Genomic context (GRCh38, chr14:75,046,501, plus strand): 5'-TCAGTTGGGGCAATGAATGTGCTGAGTCCAGTCATTTTGTTGACATAAACCATTCTTCCC[AG>A]GGCTACATCGAAATGCCGCTGCCAATCTGAACAACACGTGTTTGACTCTTCAGTTTCAGA-3'